The following is an entry in ClinVar:

ClinVar aggregate classification (germline): Benign/Likely benign. Review status: criteria provided, multiple submitters, no conflicts (2 of 4 stars). 3 submissions from 3 submitters: Benign (1); Likely benign (2). Last evaluated 2026-01-03.

Allele frequency attached by ClinVar (database versions not stated): 1000 Genomes Project 30x 0.00016.

Submissions (3):

Labcorp Genetics (formerly Invitae), Labcorp
Classification: Benign. Last evaluated: 2026-01-03. Review status: criteria provided, single submitter. Criteria: Invitae Variant Classification Sherloc (09022015). Collection method: clinical testing. Allele origin: germline.

Blueprint Genetics
Classification: Likely benign. Last evaluated: 2024-11-08. Review status: criteria provided, single submitter. Criteria: ACMG Guidelines, 2015. Collection method: clinical testing. Allele origin: germline.

CeGaT Center for Human Genetics Tuebingen
Classification: Likely benign. Last evaluated: 2024-06-01. Review status: criteria provided, single submitter. Criteria: CeGaT Center For Human Genetics Tuebingen Variant Classification Criteria Version 2. Collection method: clinical testing. Allele origin: germline. Affected: yes. Observed: 1 variant allele.
Comment: CDCA7: BP4, BP7

NM_031942.5(CDCA7):c.876C>A (p.Thr292=)

Gene: CDCA7 (cell division cycle associated 7; plus strand). Cytogenetic location: 2q31.1.
Variant type: single nucleotide variant.
Coding change: c.876C>A on transcript NM_031942.5 (MANE Select); coding-DNA position 876, C replaced by A.
Protein change: p.Thr292=; no amino-acid change (threonine 292 retained).
Molecular consequence: synonymous variant.
Genome position (GRCh38, 1-based): chr2:173,364,971, C>A. VCF-style: chr2-173364971-C-A. GRCh37 (hg19) VCF-style: chr2-174229699-C-A.
Other names: c.639C>A, p.Thr213= (NM_145810.3).
Identifiers: ClinVar variation 1583469 (VCV001583469.27), dbSNP rs148421045, ClinGen allele CA1971356.